The following is an entry in ClinVar:

ClinVar aggregate classification (germline): Likely benign (1 of 4 stars; one submission).

Allele frequency attached by ClinVar (database versions not stated): TOPMed 0.00043; ExAC 0.00055; 1000 Genomes Project 0.00060; gnomAD 0.00061; 1000 Genomes Project 30x 0.00062; ESP Exome Variant Server 0.00069.

Submission:

CeGaT Center for Human Genetics Tuebingen
Classification: Likely benign. Last evaluated: 2022-03-01. Review status: criteria provided, single submitter. Criteria: CeGaT Center For Human Genetics Tuebingen Variant Classification Criteria Version 2. Collection method: clinical testing. Allele origin: germline. Affected: yes. Observed: 1 variant allele.
Comment: ICAM1: BP4

NM_000201.3(ICAM1):c.332-4G>A

Gene: ICAM1 (intercellular adhesion molecule 1; plus strand). Cytogenetic location: 19p13.2.
Variant type: single nucleotide variant.
Coding change: c.332-4G>A on transcript NM_000201.3 (MANE Select); 4 bases into the intron before coding-DNA position 332, G replaced by A.
Molecular consequence: intron variant.
Genome position (GRCh38, 1-based): chr19:10,283,477, G>A. VCF-style: chr19-10283477-G-A. GRCh37 (hg19) VCF-style: chr19-10394153-G-A.
Identifiers: ClinVar variation 2649290 (VCV002649290.24), dbSNP rs5030399, ClinGen allele CA9189783.
Genomic context (GRCh38, chr19:10,283,477, plus strand): 5'-TTCGTCTGTTAGGCAGGCAGCAAGGTCCACTTCACCAGACACCCCCACCTCTGTTTTCCT[G>A]CAGGGACTCCAGAACGGGTGGAACTGGCACCCCTCCCCTCTTGGCAGCCAGTGGGCAAGA-3'